The following is an entry in ClinVar:

NM_004168.4(SDHA):c.1561A>G (p.Asn521Asp)

Gene: SDHA (succinate dehydrogenase complex flavoprotein subunit A; plus strand). Cytogenetic location: 5p15.33.
Variant type: single nucleotide variant.
Coding change: c.1561A>G on transcript NM_004168.4 (MANE Select); coding-DNA position 1561, A replaced by G.
Protein change: p.Asn521Asp; replaces asparagine 521 with aspartic acid.
Molecular consequence: missense variant. On other transcripts: intron variant (1).
Genome position (GRCh38, 1-based): chr5:251,001, A>G. VCF-style: chr5-251001-A-G. GRCh37 (hg19) VCF-style: chr5-251116-A-G.
Other names: c.1417A>G, p.Asn473Asp (NM_001294332.2); c.1552-3392A>G (NM_001330758.2); short protein forms N473D, N521D.
Identifiers: ClinVar variation 3754204 (VCV003754204.2).

ClinVar aggregate classification (germline): Uncertain significance (1 of 4 stars; one submission).

Conditions:
Mitochondrial complex II deficiency, nuclear type 1. Also called: SUCCINATE CoQ REDUCTASE DEFICIENCY. Identifiers: Orphanet 3208, MedGen C5700310, MONDO:0100294, OMIM 252011.
Pheochromocytoma/paraganglioma syndrome 5. Also called: Paragangliomas 5; SDHA-Related Hereditary Paraganglioma-Pheochromocytoma Syndrome. Identifiers: Orphanet 29072, MedGen C3279992, MONDO:0013602, OMIM 614165.

Submission:

Labcorp Genetics (formerly Invitae), Labcorp
Classification: Uncertain significance for Pheochromocytoma/paraganglioma syndrome 5; Mitochondrial complex II deficiency, nuclear type 1. Last evaluated: 2024-08-13. Review status: criteria provided, single submitter. Criteria: Invitae Variant Classification Sherloc (09022015). Collection method: clinical testing. Allele origin: germline.
Comment: This sequence change replaces asparagine, which is neutral and polar, with aspartic acid, which is acidic and polar, at codon 521 of the SDHA protein (p.Asn521Asp). This variant is not present in population databases (gnomAD no frequency). This variant has not been reported in the literature in individuals affected with SDHA-related conditions. Advanced modeling of protein sequence and biophysical properties (such as structural, functional, and spatial information, amino acid conservation, physicochemical variation, residue mobility, and thermodynamic stability) performed at Invitae indicates that this missense variant is not expected to disrupt SDHA protein function with a negative predictive value of 95%. In summary, the available evidence is currently insufficient to determine the role of this variant in disease. Therefore, it has been classified as a Variant of Uncertain Significance.